The following is an entry in ClinVar:

ClinVar aggregate classification (germline): Uncertain significance (1 of 4 stars; one submission).

Conditions:
Severe combined immunodeficiency due to DNA-PKcs deficiency. Also called: IMMUNODEFICIENCY 26 WITH NEUROLOGIC ABNORMALITIES; Immunodeficiency 26 with or without neurologic abnormalities. Identifiers: Orphanet 317425, MedGen C4014833, MONDO:0014423, OMIM 615966.

Allele frequency attached by ClinVar (database versions not stated): TOPMed below 0.00001; gnomAD 0.00001; gnomAD exomes 0.00001; ESP Exome Variant Server 0.00008.
gnomAD v4.1: 5 of 1,575,320 alleles (0.00032%); highest among the groups gnomAD compares: Middle Eastern, 0.017%; no homozygotes.

Submission:

Labcorp Genetics (formerly Invitae), Labcorp
Classification: Uncertain significance for Severe combined immunodeficiency due to DNA-PKcs deficiency. Last evaluated: 2022-10-24. Review status: criteria provided, single submitter. Criteria: Invitae Variant Classification Sherloc (09022015). Collection method: clinical testing. Allele origin: germline.
Comment: In summary, the available evidence is currently insufficient to determine the role of this variant in disease. Therefore, it has been classified as a Variant of Uncertain Significance. Advanced modeling of protein sequence and biophysical properties (such as structural, functional, and spatial information, amino acid conservation, physicochemical variation, residue mobility, and thermodynamic stability) performed at Invitae indicates that this missense variant is not expected to disrupt PRKDC protein function. ClinVar contains an entry for this variant (Variation ID: 948144). This variant has not been reported in the literature in individuals affected with PRKDC-related conditions. This variant is present in population databases (rs376836064, gnomAD 0.003%). This sequence change replaces glutamic acid, which is acidic and polar, with aspartic acid, which is acidic and polar, at codon 3747 of the PRKDC protein (p.Glu3747Asp).

NM_006904.7(PRKDC):c.11241A>C (p.Glu3747Asp)

Gene: PRKDC (protein kinase, DNA-activated, catalytic subunit; minus strand). Cytogenetic location: 8q11.21.
Variant type: single nucleotide variant.
Coding change: c.11241A>C on transcript NM_006904.7 (MANE Select); coding-DNA position 11241, A replaced by C.
Protein change: p.Glu3747Asp; replaces glutamic acid 3747 with aspartic acid.
Molecular consequence: missense variant.
Genome position (GRCh38, 1-based): chr8:47,782,533, T>G on the plus strand (A>C on the coding strand, the complement: PRKDC is on the minus strand). VCF-style: chr8-47782533-T-G. GRCh37 (hg19) VCF-style: chr8-48695094-T-G.
Other names: c.11241A>C, p.Glu3747Asp (NM_001081640.2); short protein forms E3747D.
Identifiers: ClinVar variation 948144 (VCV000948144.4), dbSNP rs376836064, ClinGen allele CA176142059.